The following is an entry in ClinVar:

NM_001267550.2(TTN):c.8633_8636del (p.Phe2878fs)

Gene: TTN (titin; minus strand). Cytogenetic location: 2q31.2.
Variant type: Deletion.
Coding change: c.8633_8636del on transcript NM_001267550.2 (MANE Select); coding-DNA positions 8633 to 8636, 4 bases deleted (TTGT; older notation c.8633_8636delTTGT).
Protein change: p.Phe2878fs; shifts the reading frame from phenylalanine 2878.
Molecular consequence: frameshift variant.
Genome position (GRCh38, 1-based): chr2:178,770,065-178,770,068, ACAA deleted on the plus strand (TTGT on the coding strand, the reverse complement: TTN is on the minus strand); deleting any 4 consecutive bases within chr2:178,770,065-178,770,071 gives the same sequence; the c. name uses the placement nearest the transcript's 3' end. VCF-style (leftmost placement, unchanged base first): chr2-178770064-CACAA-C. GRCh37 (hg19) VCF-style: chr2-179634791-CACAA-C.
Other names: c.8633_8636delTTGT (NM_133378.4); c.8495_8498delTTGT (NM_003319.4); c.8633_8636del, p.Phe2878fs (NM_001256850.1, NM_133378.4, NM_133379.5); c.8495_8498del, p.Phe2832fs (NM_003319.4, NM_133432.3, NM_133437.4); short protein forms F2878fs, F2832fs.
Identifiers: ClinVar variation 166303 (VCV000166303.11), dbSNP rs727503686, ClinGen allele CA179244.

ClinVar aggregate classification (germline): Conflicting classifications of pathogenicity. Review status: criteria provided, conflicting classifications (1 of 4 stars). 5 submissions from 5 submitters: Likely pathogenic (4); Uncertain significance (1). Last evaluated 2026-08-31.

Conditions:
Cardiovascular phenotype. Identifiers: MedGen CN230736.
Dilated cardiomyopathy 1G (CMD1G). Identifiers: Orphanet 154, MedGen C1858763, MONDO:0011400, OMIM 604145.
Autosomal recessive limb-girdle muscular dystrophy type 2J (LGMDR10). Also called: Limb-girdle muscular dystrophy, type 2J; MUSCULAR DYSTROPHY, LIMB-GIRDLE, AUTOSOMAL RECESSIVE 10. Identifiers: Orphanet 140922, MedGen C1837342, MONDO:0012127, OMIM 608807.
Primary familial dilated cardiomyopathy (FDC). Also called: Hypokinetic dilated cardiomyopathy, familial; Familial dilated cardiomyopathy. Identifiers: Orphanet 217607, MedGen C0340427, MONDO:0016333.

Submissions (5):

Ambry Genetics
Classification: Likely pathogenic for Cardiovascular phenotype. Last evaluated: 2026-08-31. Review status: criteria provided, single submitter. Criteria: Ambry Variant Classification Scheme 2023. Collection method: clinical testing. Allele origin: germline.
Comment: The c.8495_8498delTTGT variant, located in coding exon 34 of the TTN gene, results from a deletion of 4 nucleotides at nucleotide positions 8495 to 8498, causing a translational frameshift with a predicted alternate stop codon (p.F2832Wfs*10). This exon is located in the I-band region of the N2-B isoform of the titin protein and is constitutively expressed in TTN transcripts (percent spliced in or PSI 100%). This variant was reported in individual(s) with features consistent with dilated cardiomyopathy (Ambry internal data). This variant is considered to be rare based on population cohorts in the Genome Aggregation Database (gnomAD). This variant is expected to result in loss of function by premature protein truncation or nonsense-mediated mRNA decay. While truncating variants in TTN are present in 1-3% of the general population, truncating variants in the A-band are the most common cause of dilated cardiomyopathy (Herman DS et al. N. Engl. J. Med., 2012 Feb;366:619-28; Roberts AM et al. Sci Transl Med, 2015 Jan;7:270ra6). TTN truncating variants encoded in constitutive exons (PSI >90%) have been found to be significantly associated with DCM regardless of their position in titin (Schafer S et al. Nat. Genet., 2017 01;49:46-53; Akhtar MM et al. Circ Heart Fail, 2020 Oct;13:e006832; Massier M et al. Clin Genet, 2025 Jan). Based on the majority of available evidence to date, this variant is likely to be pathogenic.

CeGaT Center for Human Genetics Tuebingen
Classification: Likely pathogenic. Last evaluated: 2026-03-01. Review status: criteria provided, single submitter. Criteria: CeGaT Center For Human Genetics Tuebingen Variant Classification Criteria Version 2. Collection method: clinical testing. Allele origin: germline. Affected: yes. Observed: 1 variant allele.
Comment: TTN: PVS1:Strong, PM2

Women's Health and Genetics/Laboratory Corporation of America, LabCorp
Classification: Likely pathogenic for Primary familial dilated cardiomyopathy. Last evaluated: 2025-11-12. Review status: criteria provided, single submitter. Criteria: LabCorp Variant Classification Summary - May 2015. Collection method: clinical testing. Allele origin: germline.
Comment: Variant summary: TTN c.8633_8636delTTGT (p.Phe2878TrpfsX10) results in a premature termination codon, predicted to cause a truncation of the encoded protein or absence of the protein due to nonsense mediated decay, which are commonly known mechanisms for disease. Loss of function variants in all TTN bands are strongly associated with a spectrum of autosomal recessive titinopathies when exon expression (proportion spliced in, PSI, 1=complete expression) in skeletal muscle is >0.1 (PMID: 36977548, 39198997, 29598826, 32778822, 29691892, 33449170, 36977548, internal data). In contrast, loss of function variants in all TTN bands are only strongly associated with autosomal dominant TTN-related cardiomyopathies if located in exons constitutively expressed (PSI >0.9) in cardiac muscle, excluding extreme C-terminal exons 359-363 (PMID: 25589632, 31216868, 32964742, 34662387, 27869827, Shetty et al., Nat Cardiovasc Res 2024,, internal data). This variant has a maximum skeletal muscle PSI of 0.983 and a maximum cardiac muscle PSI of 1.000. The variant was absent in 251306 control chromosomes. c.8633_8636delTTGT has been observed in individual(s) with clinical features of autosomal dominant TTN-related conditions (internal data). To our knowledge, no experimental evidence demonstrating an impact on protein function has been reported. ClinVar contains an entry for this variant (Variation ID: 166303). Based on the evidence outlined above, the variant was classified as likely pathogenic for both autosomal dominant and autosomal recessive TTN-related conditions.

Labcorp Genetics (formerly Invitae), Labcorp
Classification: Likely pathogenic for Dilated cardiomyopathy 1G; Autosomal recessive limb-girdle muscular dystrophy type 2J. Last evaluated: 2024-09-09. Review status: criteria provided, single submitter. Criteria: Invitae Variant Classification Sherloc (09022015). Collection method: clinical testing. Allele origin: germline.
Comment: This sequence change creates a premature translational stop signal (p.Phe2878Trpfs*10) in the TTN gene. While this is not anticipated to result in nonsense mediated decay, it is expected to create a truncated TTN protein. This variant is not present in population databases (gnomAD no frequency). This variant has not been observed in the literature in individuals with autosomal recessive TTN-related conditions. This variant has been reported in individual(s) with clinical features of autosomal dominant TTN-related conditions (internal data); however, the role of the variant in this condition is currently unclear. ClinVar contains an entry for this variant (Variation ID: 166303). This variant is located in the I band of TTN (PMID: 25589632). Truncating variants in this region have been reported in individuals affected with autosomal recessive centronuclear myopathy (PMID: 23975875, internal data). Truncating variants in this region have also been identified in individuals affected with autosomal dominant dilated cardiomyopathy and/or cardio-related conditions (PMID: 27869827, 32964742, internal data). In summary, the currently available evidence indicates that the variant is pathogenic, but additional data are needed to prove that conclusively. Therefore, this variant has been classified as Likely Pathogenic.

Laboratory for Molecular Medicine, Mass General Brigham Personalized Medicine
Classification: Uncertain significance. Last evaluated: 2014-04-03. Review status: criteria provided, single submitter. Criteria: LMM Criteria. Collection method: clinical testing. Allele origin: germline. Observed: 1 variant allele.
Comment: Variant classified as Uncertain Significance - Favor Pathogenic. The Phe2878fs v ariant in TTN has not been reported in individuals with cardiomyopathy. Data fro m large population studies is insufficient to assess the frequency of this varia nt. This frameshift variant is predicted to alter the protein?s amino acid seque nce beginning at position 2878 and lead to a premature termination codon 10 amin o acids downstream. This alteration is then predicted to lead to a truncated or absent protein. Frameshift and other truncating variants in TTN are strongly ass ociated with DCM and the majority occur in exons encoding for the A-band region of the protein (Herman 2012, Pugh 2014), while this variant occurs in the I-band . Although the data support that the Phe2878fs variant may be pathogenic, additi onal studies are needed to fully assess its clinical significance.

Literature cited by the submitters: PubMed 25589632 (cited by Labcorp Genetics (formerly Invitae), Labcorp); PubMed 23975875 (cited by Labcorp Genetics (formerly Invitae), Labcorp); PubMed 27869827 (cited by Labcorp Genetics (formerly Invitae), Labcorp); PubMed 32964742 (cited by Labcorp Genetics (formerly Invitae), Labcorp).